The following is an entry in ClinVar:

NM_001303256.3(MORC2):c.1667C>T (p.Thr556Met)

Gene: MORC2 (MORC family CW-type zinc finger 2; minus strand). Cytogenetic location: 22q12.2.
Variant type: single nucleotide variant.
Coding change: c.1667C>T on transcript NM_001303256.3 (MANE Select); coding-DNA position 1667, C replaced by T.
Protein change: p.Thr556Met; replaces threonine 556 with methionine.
Molecular consequence: missense variant.
Genome position (GRCh38, 1-based): chr22:30,936,581, G>A on the plus strand (C>T on the coding strand, the complement: MORC2 is on the minus strand). VCF-style: chr22-30936581-G-A. GRCh37 (hg19) VCF-style: chr22-31332568-G-A.
Other names: c.1667C>T, p.Thr556Met (NM_001303257.2); c.1481C>T, p.Thr494Met (NM_014941.3); c.1667C>T (NM_001303256.2); short protein forms T556M, T494M.
Identifiers: ClinVar variation 1440851 (VCV001440851.7), dbSNP rs776665575, ClinGen allele CA10186888.

ClinVar aggregate classification (germline): Uncertain significance. Review status: criteria provided, multiple submitters, no conflicts (2 of 4 stars). 2 submissions from 2 submitters: Uncertain significance (2). Last evaluated 2023-04-10.

Conditions:
Charcot-Marie-Tooth disease axonal type 2Z. Also called: CHARCOT-MARIE-TOOTH DISEASE, AXONAL, AUTOSOMAL DOMINANT, TYPE 2Z; CHARCOT-MARIE-TOOTH NEUROPATHY, TYPE 2Z. Identifiers: Orphanet 466768, MedGen C5569025, MONDO:0014736, OMIM 616688.
MORC2-related disorder. Also called: MORC2-related condition.

Allele frequency attached by ClinVar (database versions not stated): ExAC 0.00001; gnomAD exomes 0.00001; TOPMed 0.00001; gnomAD 0.00003.

Submissions (2):

PreventionGenetics, part of Exact Sciences
Classification: Uncertain significance for MORC2-related condition. Last evaluated: 2023-04-10. Review status: criteria provided, single submitter. Criteria: ACMG Guidelines, 2015. Collection method: clinical testing. Allele origin: germline.
Comment: The MORC2 c.1667C>T variant is predicted to result in the amino acid substitution p.Thr556Met. To our knowledge, this variant has not been reported in the literature or in a large population database, indicating this variant is rare. At this time, the clinical significance of this variant is uncertain due to the absence of conclusive functional and genetic evidence.

Labcorp Genetics (formerly Invitae), Labcorp
Classification: Uncertain significance for Charcot-Marie-Tooth disease axonal type 2Z. Last evaluated: 2021-11-21. Review status: criteria provided, single submitter. Criteria: Invitae Variant Classification Sherloc (09022015). Collection method: clinical testing. Allele origin: germline.
Comment: In summary, the available evidence is currently insufficient to determine the role of this variant in disease. Therefore, it has been classified as a Variant of Uncertain Significance. Advanced modeling of protein sequence and biophysical properties (such as structural, functional, and spatial information, amino acid conservation, physicochemical variation, residue mobility, and thermodynamic stability) performed at Invitae indicates that this missense variant is expected to disrupt MORC2 protein function. This variant has not been reported in the literature in individuals affected with MORC2-related conditions. This variant is present in population databases (rs776665575, gnomAD 0.006%). This sequence change replaces threonine, which is neutral and polar, with methionine, which is neutral and non-polar, at codon 556 of the MORC2 protein (p.Thr556Met).